The following is an entry in ClinVar:

NM_001365088.1(SLC12A6):c.316+6G>C

Gene: SLC12A6 (solute carrier family 12 member 6; minus strand). Cytogenetic location: 15q14.
Variant type: single nucleotide variant.
Coding change: c.316+6G>C on transcript NM_001365088.1 (MANE Select); 6 bases into the intron after coding-DNA position 316, G replaced by C.
Molecular consequence: intron variant.
Genome position (GRCh38, 1-based): chr15:34,275,339, C>G on the plus strand (G>C on the coding strand, the complement: SLC12A6 is on the minus strand). VCF-style: chr15-34275339-C-G. GRCh37 (hg19) VCF-style: chr15-34567540-C-G.
Other names: c.139+6G>C (NM_001042495.2, NM_001042494.2); c.289+6G>C (NM_001042496.2); c.272-14319G>C (NM_001042497.2); c.316+6G>C (NM_133647.2); c.163+6G>C (NM_005135.2).
Identifiers: ClinVar variation 1331065 (VCV001331065.11), dbSNP rs1894227805, ClinGen allele CA2573053982.

ClinVar aggregate classification (germline): Conflicting classifications of pathogenicity. Review status: criteria provided, conflicting classifications (1 of 4 stars). 2 submissions from 2 submitters: Uncertain significance (1); Likely benign (1). Last evaluated 2023-07-14.

Conditions:
Agenesis of the corpus callosum with peripheral neuropathy (ACCPN). Also called: POLYNEUROPATHY, SENSORIMOTOR, WITH OR WITHOUT AGENESIS OF THE CORPUS CALLOSUM; Hereditary Motor and Sensory Neuropathy with Agenesis of the Corpus Callosum; CHARLEVOIX DISEASE; HMSN/ACC. Identifiers: Orphanet 1496, MedGen C0795950, MONDO:0000902, OMIM 218000. Disease mechanism: loss of function.

Allele frequency attached by ClinVar (database versions not stated): gnomAD exomes below 0.00001.

Submissions (2):

Labcorp Genetics (formerly Invitae), Labcorp
Classification: Uncertain significance. Last evaluated: 2023-07-14. Review status: criteria provided, single submitter. Criteria: Invitae Variant Classification Sherloc (09022015). Collection method: clinical testing. Allele origin: germline.
Comment: This sequence change falls in intron 2 of the SLC12A6 gene. It does not directly change the encoded amino acid sequence of the SLC12A6 protein. It affects a nucleotide within the consensus splice site. This variant is not present in population databases (gnomAD no frequency). This variant has not been reported in the literature in individuals affected with SLC12A6-related conditions. ClinVar contains an entry for this variant (Variation ID: 1331065). Variants that disrupt the consensus splice site are a relatively common cause of aberrant splicing (PMID: 17576681, 9536098). Algorithms developed to predict the effect of sequence changes on RNA splicing suggest that this variant may disrupt the consensus splice site. In summary, the available evidence is currently insufficient to determine the role of this variant in disease. Therefore, it has been classified as a Variant of Uncertain Significance.

ARUP Laboratories, Molecular Genetics and Genomics, ARUP Laboratories
Classification: Likely benign for Agenesis of the corpus callosum with peripheral neuropathy. Last evaluated: 2021-04-17. Review status: criteria provided, single submitter. Criteria: ARUP Molecular Germline Variant Investigation Process 2021. Collection method: clinical testing. Allele origin: germline.

Literature cited by the submitters: PubMed 17576681 (cited by Labcorp Genetics (formerly Invitae), Labcorp); PubMed 9536098 (cited by Labcorp Genetics (formerly Invitae), Labcorp).